The following is an entry in ClinVar:

NM_001042492.3(NF1):c.7446C>A (p.Asp2482Glu)

Gene: NF1 (neurofibromin 1; plus strand). Cytogenetic location: 17q11.2.
Variant type: single nucleotide variant.
Coding change: c.7446C>A on transcript NM_001042492.3 (MANE Select); coding-DNA position 7446, C replaced by A.
Protein change: p.Asp2482Glu; replaces aspartic acid 2482 with glutamic acid.
Molecular consequence: missense variant.
Genome position (GRCh38, 1-based): chr17:31,350,307, C>A. VCF-style: chr17-31350307-C-A. GRCh37 (hg19) VCF-style: chr17-29677325-C-A.
Other names: c.7383C>A, p.Asp2461Glu (NM_000267.4); short protein forms D2461E, D2482E.
Identifiers: ClinVar variation 233748 (VCV000233748.12), dbSNP rs876660614, ClinGen allele CA10580410.

ClinVar aggregate classification (germline): Conflicting classifications of pathogenicity. Review status: criteria provided, conflicting classifications (1 of 4 stars). 6 submissions from 5 submitters: Uncertain significance (5); Benign (1). Last evaluated 2025-11-05.

Conditions:
Cardiovascular phenotype. Identifiers: MedGen CN230736.
Hereditary cancer-predisposing syndrome. Also called: Tumor predisposition; Hereditary Cancer Syndrome; Hereditary neoplastic syndrome; Neoplastic Syndromes, Hereditary. Identifiers: Orphanet 140162, MedGen C0027672, MeSH D009386, MONDO:0015356.
Neurofibromatosis, familial spinal (FSNF). Identifiers: Orphanet 636, MedGen C1834235, MONDO:0008078, OMIM 162210. Disease mechanism: loss of function.
Juvenile myelomonocytic leukemia (JMML). Also called: LEUKEMIA, JUVENILE MYELOMONOCYTIC, SOMATIC. Identifiers: Orphanet 86834, MedGen C0349639, MONDO:0011908, OMIM 607785, HP:0012209.
Neurofibromatosis, type 1 (NF1). Also called: VON RECKLINGHAUSEN DISEASE; NEUROFIBROMATOSIS, TYPE I, SOMATIC; Peripheral type neurofibromatosis; Neurofibromatosis, type I. Identifiers: Orphanet 636, MedGen C0027831, MONDO:0018975, OMIM 162200. Disease mechanism: loss of function.
Neurofibromatosis-Noonan syndrome (NFNS). Also called: NEUROFIBROMATOSIS WITH NOONAN PHENOTYPE. Identifiers: Orphanet 638, MedGen C2931482, MONDO:0011035, OMIM 601321. Disease mechanism: loss of function.
Café-au-lait macules with pulmonary stenosis (WTSN). Also called: PULMONIC STENOSIS WITH CAFE-AU-LAIT SPOTS. Identifiers: MedGen C0553586, MONDO:0008672, OMIM 193520.

Submissions (6):

Labcorp Genetics (formerly Invitae), Labcorp
Classification: Benign for Neurofibromatosis, type 1. Last evaluated: 2025-11-05. Review status: criteria provided, single submitter. Criteria: Invitae Variant Classification Sherloc (09022015). Collection method: clinical testing. Allele origin: germline.

GeneDx
Classification: Uncertain significance. Last evaluated: 2023-05-03. Review status: criteria provided, single submitter. Criteria: GeneDx Variant Classification Process June 2021. Collection method: clinical testing. Allele origin: germline. Affected: yes.
Comment: Not observed at significant frequency in large population cohorts (gnomAD); In silico analysis supports that this missense variant does not alter protein structure/function; Has not been previously published as pathogenic or benign to our knowledge

Fulgent Genetics
Classification: Uncertain significance for Neurofibromatosis, type 1; Neurofibromatosis, familial spinal; Café-au-lait macules with pulmonary stenosis; Neurofibromatosis-Noonan syndrome; Juvenile myelomonocytic leukemia. Last evaluated: 2022-04-21. Review status: criteria provided, single submitter. Criteria: ACMG Guidelines, 2015. Collection method: clinical testing. Allele origin: unknown.

Genome-Nilou Lab
Classification: Uncertain significance for Neurofibromatosis, type 1. Last evaluated: 2022-03-15. Review status: criteria provided, single submitter. Criteria: ACMG Guidelines, 2015. Collection method: clinical testing. Allele origin: germline. Affected: no.

Ambry Genetics
Classification: Uncertain significance for Cardiovascular phenotype; Hereditary cancer-predisposing syndrome. Last evaluated: 2020-08-25. Review status: criteria provided, single submitter. Criteria: Ambry Variant Classification Scheme 2023. Collection method: clinical testing. Allele origin: germline.

Ambry Genetics
Classification: Uncertain significance for Hereditary cancer-predisposing syndrome. Last evaluated: 2015-09-04. Review status: criteria provided, single submitter. Criteria: Ambry Autosomal Dominant and X-Linked criteria (10/2015). Collection method: clinical testing. Allele origin: germline. Observed: 1 variant allele.
Comment: The p.D2482E variant (also known as c.7446C>A), located in coding exon 50 of the NF1 gene, results from a C to A substitution at nucleotide position 7446. The aspartic acid at codon 2482 is replaced by glutamic acid, an amino acid with highly similar properties. This variant was not reported in population based cohorts in the following databases: Database of Single Nucleotide Polymorphisms (dbSNP), NHLBI Exome Sequencing Project (ESP), and 1000 Genomes Project. In the ESP, this variant was not observed in 6503 samples (13006 alleles) with coverage at this position. To date, this alteration has been detected with an allele frequency of approximately 0.002% (greater than 55000alleles tested) in our clinical cohort.This amino acid position is well conserved in available vertebrate species. In addition, this alteration is predicted to be tolerated by in silico analysis.Since supporting evidence is limited at this time, the clinical significance of p.D2482Eremains unclear.